The following is an entry in ClinVar:

ClinVar aggregate classification (germline): Uncertain significance. Review status: criteria provided, multiple submitters, no conflicts (2 of 4 stars). 4 submissions from 4 submitters: Uncertain significance (3). 1 of the submissions does not count toward it. Last evaluated 2026-06-23.

Conditions:
COL1A1-related disorder. Also called: COL1A1- related disease; COL1A1-related condition.
Cardiovascular phenotype. Identifiers: MedGen CN230736.
Osteogenesis imperfecta type I (OI1). Also called: Osteogenesis imperfecta type 1; Lobstein disease; Classic Non-deforming Osteogenesis Imperfecta with Blue Sclerae; Lobstein's Disease; OI, TYPE I; OSTEOGENESIS IMPERFECTA TARDA. Identifiers: Orphanet 216796, Orphanet 666, MedGen C0023931, MONDO:0008146, OMIM 166200. Disease mechanism: loss of function.
Osteogenesis imperfecta (OI). Identifiers: Orphanet 666, MedGen C0029434, MeSH D010013, MONDO:0019019.

Allele frequency attached by ClinVar (database versions not stated): gnomAD exomes 0.00001; TOPMed 0.00003; gnomAD 0.00004.
gnomAD v4.1: 23 of 1,538,214 alleles (0.0015%); highest among the groups gnomAD compares: Non-Finnish European, 0.002%; no homozygotes.

Submissions (4):

Ambry Genetics
Classification: Uncertain significance for Cardiovascular phenotype. Last evaluated: 2026-06-23. Review status: criteria provided, single submitter. Criteria: Ambry Variant Classification Scheme 2023. Collection method: clinical testing. Allele origin: germline.
Comment: The c.401T>A (p.I134N) alteration is located in exon 5 (coding exon 5) of the COL1A1 gene. This alteration results from a T to A substitution at nucleotide position 401, causing the isoleucine (I) at amino acid position 134 to be replaced by an asparagine (N). Based on data from gnomAD, the A allele has an overall frequency of 0.002% (3/171492) total alleles studied. The highest observed frequency was 0.005% (3/65564) of European (non-Finnish) alleles. Based on insufficient or conflicting evidence, the clinical significance of this alteration remains unclear.

Labcorp Genetics (formerly Invitae), Labcorp
Classification: Uncertain significance for Osteogenesis imperfecta type I. Last evaluated: 2024-11-14. Review status: criteria provided, single submitter. Criteria: Invitae Variant Classification Sherloc (09022015). Collection method: clinical testing. Allele origin: germline.
Comment: This sequence change replaces isoleucine, which is neutral and non-polar, with asparagine, which is neutral and polar, at codon 134 of the COL1A1 protein (p.Ile134Asn). The frequency data for this variant in the population databases is considered unreliable, as metrics indicate poor data quality at this position in the gnomAD database. This missense change has been observed in individuals with Clinical features of COL1A1-related conditions (internal data). ClinVar contains an entry for this variant (Variation ID: 1374645). Invitae Evidence Modeling of protein sequence and biophysical properties (such as structural, functional, and spatial information, amino acid conservation, physicochemical variation, residue mobility, and thermodynamic stability) indicates that this missense variant is not expected to disrupt COL1A1 protein function with a negative predictive value of 95%. In summary, the available evidence is currently insufficient to determine the role of this variant in disease. Therefore, it has been classified as a Variant of Uncertain Significance.

Genome Diagnostics Laboratory, The Hospital for Sick Children
Classification: Uncertain significance for Osteogenesis imperfecta. Last evaluated: 2019-12-01. Review status: criteria provided, single submitter. Criteria: ACMG Guidelines, 2015. Collection method: clinical testing. Allele origin: germline.

PreventionGenetics, part of Exact Sciences
Classification: Uncertain significance for COL1A1-related condition. Last evaluated: 2024-08-14. Review status: no assertion criteria provided. Collection method: clinical testing. Allele origin: germline. Not counted in ClinVar's aggregate classification.
Comment: The COL1A1 c.401T>A variant is predicted to result in the amino acid substitution p.Ile134Asn. To our knowledge, this variant has not been reported in the literature. This variant is reported in 0.0046% of alleles in individuals of European (Non-Finnish) descent in gnomAD. At this time, the clinical significance of this variant is uncertain due to the absence of conclusive functional and genetic evidence.

NM_000088.4(COL1A1):c.401T>A (p.Ile134Asn)

Gene: COL1A1 (collagen type I alpha 1 chain; minus strand). Cytogenetic location: 17q21.33.
Variant type: single nucleotide variant.
Coding change: c.401T>A on transcript NM_000088.4 (MANE Select); coding-DNA position 401, T replaced by A.
Protein change: p.Ile134Asn; replaces isoleucine 134 with asparagine.
Molecular consequence: missense variant.
Genome position (GRCh38, 1-based): chr17:50,199,296, A>T on the plus strand (T>A on the coding strand, the complement: COL1A1 is on the minus strand). VCF-style: chr17-50199296-A-T. GRCh37 (hg19) VCF-style: chr17-48276657-A-T.
Other names: short protein forms I134N.
Identifiers: ClinVar variation 1374645 (VCV001374645.11), dbSNP rs771647906, ClinGen allele CA8645704.